The following is an entry in ClinVar:

ClinVar aggregate classification (germline): Benign/Likely benign. Review status: criteria provided, multiple submitters, no conflicts (2 of 4 stars). 2 submissions from 2 submitters: Benign (1); Likely benign (1). Last evaluated 2024-11-12.

Conditions:
Hereditary cancer-predisposing syndrome. Also called: Tumor predisposition; Hereditary Cancer Syndrome; Neoplastic Syndromes, Hereditary; Hereditary neoplastic syndrome. Identifiers: Orphanet 140162, MedGen C0027672, MeSH D009386, MONDO:0015356.
Papillary renal cell carcinoma type 1 (RCCP1). Also called: RENAL CELL CARCINOMA, PAPILLARY, 1, SOMATIC; Renal adenocarcinoma; Renal cell carcinoma 1; Renal cell carcinoma, somatic. Identifiers: Orphanet 47044, MedGen C1336839, OMIM 605074, HP:0011797.

Submissions (2):

Myriad Genetics, Inc.
Classification: Benign for Papillary renal cell carcinoma type 1. Last evaluated: 2024-11-12. Review status: criteria provided, single submitter. Criteria: Myriad Autosomal Dominant, Autosomal Recessive and X-Linked Classification Criteria (2023). Collection method: clinical testing. Allele origin: unknown.
Comment: This variant is considered benign. This variant is a silent/synonymous amino acid change and it is not expected to impact splicing.

Ambry Genetics
Classification: Likely benign for Hereditary cancer-predisposing syndrome. Last evaluated: 2022-03-16. Review status: criteria provided, single submitter. Criteria: Ambry Variant Classification Scheme 2023. Collection method: clinical testing. Allele origin: germline.

NM_000245.4(MET):c.2712C>T (p.Asn904=)

Gene: MET (MET proto-oncogene, receptor tyrosine kinase; plus strand). Cytogenetic location: 7q31.2.
Variant type: single nucleotide variant.
Coding change: c.2712C>T on transcript NM_000245.4 (MANE Select); coding-DNA position 2712, C replaced by T.
Protein change: p.Asn904=; no amino-acid change (asparagine 904 retained).
Molecular consequence: synonymous variant.
Genome position (GRCh38, 1-based): chr7:116,769,773, C>T. VCF-style: chr7-116769773-C-T. GRCh37 (hg19) VCF-style: chr7-116409827-C-T.
Other names: c.2766C>T, p.Asn922= (NM_001127500.3); c.2712C>T, p.Asn904= (NM_001324401.3); c.1422C>T, p.Asn474= (NM_001324402.2).
Identifiers: ClinVar variation 1795740 (VCV001795740.3), dbSNP rs2116984453, ClinGen allele CA457441798.